The following is an entry in ClinVar:

NM_001035.3(RYR2):c.7922C>T (p.Ser2641Leu)

Gene: RYR2 (ryanodine receptor 2; plus strand). Cytogenetic location: 1q43.
Variant type: single nucleotide variant.
Coding change: c.7922C>T on transcript NM_001035.3 (MANE Select); coding-DNA position 7922, C replaced by T.
Protein change: p.Ser2641Leu; replaces serine 2641 with leucine.
Molecular consequence: missense variant.
Genome position (GRCh38, 1-based): chr1:237,654,371, C>T. VCF-style: chr1-237654371-C-T. GRCh37 (hg19) VCF-style: chr1-237817671-C-T.
Other names: short protein forms S2641L.
Identifiers: ClinVar variation 2454018 (VCV002454018.2), dbSNP rs2547070826, ClinGen allele CA345400423.
Genomic context (GRCh38, chr1:237,654,371, plus strand): 5'-ACTGCCTGCCTGGAGGGTGGGGAAACTTTGGTGCTGCCTCAGAAGAAGAACTTCATTTAT[C>T]AAGAAAGTTGTTCTGGGGCATTTTTGATGCCCTGTCTCAAAAGGTAATTTAATGGTTTGT-3'
Protein context (NP_001026.2, residues 2631-2651): GAASEEELHL[Ser2641Leu]RKLFWGIFDA

ClinVar aggregate classification (germline): Uncertain significance (1 of 4 stars; one submission).

Conditions:
Cardiovascular phenotype. Identifiers: MedGen CN230736.

Submission:

Ambry Genetics
Classification: Uncertain significance for Cardiovascular phenotype. Last evaluated: 2023-01-26. Review status: criteria provided, single submitter. Criteria: Ambry Variant Classification Scheme 2023. Collection method: clinical testing. Allele origin: germline.
Comment: The p.S2641L variant (also known as c.7922C>T), located in coding exon 52 of the RYR2 gene, results from a C to T substitution at nucleotide position 7922. The serine at codon 2641 is replaced by leucine, an amino acid with dissimilar properties. This amino acid position is well conserved in available vertebrate species. In addition, the in silico prediction for this alteration is inconclusive. Since supporting evidence is limited at this time, the clinical significance of this alteration remains unclear.